The following is an entry in ClinVar:

ClinVar aggregate classification (germline): Uncertain significance (1 of 4 stars; one submission).

Conditions:
Hao-Fountain syndrome due to USP7 mutation. Also called: USP7-Related Hao Fountain Syndrome. Identifiers: Orphanet 643538, MedGen C5816734, MONDO:0958071, OMIM 616863.

Submission:

Clinical Genomics Laboratory, Washington University in St. Louis
Classification: Uncertain significance for Hao-Fountain syndrome due to USP7 mutation. Last evaluated: 2026-04-20. Review status: criteria provided, single submitter. Criteria: ACMG Guidelines, 2015. Collection method: clinical testing. Allele origin: germline.
Comment: The USP7 c.1226T>C (p.Phe409Ser) variant, to our knowledge, has not been reported in the medical literature and is absent from the general population (gnomAD v4.1.0), indicating it is not a common variant. This variant resides within the binding pocket of USP7 that is defined as a critical functional domain and is one of two amino acids responsible for establishing H-bonds (Srivastava M et al., PMID: 30344943). Computational predictors indicate that the variant is damaging, evidence that correlates with impact to USP7 function. Due to limited information, and based on ACMG/AMP guidelines for variant interpretation (Richards S et al., PMID: 25741868), the clinical significance of this variant is uncertain at this time.

NM_003470.3(USP7):c.1226T>C (p.Phe409Ser)

Gene: USP7 (ubiquitin specific peptidase 7; minus strand). Cytogenetic location: 16p13.2.
Variant type: single nucleotide variant.
Coding change: c.1226T>C on transcript NM_003470.3 (MANE Select); coding-DNA position 1226, T replaced by C.
Protein change: p.Phe409Ser; replaces phenylalanine 409 with serine.
Molecular consequence: missense variant. On other transcripts: non-coding transcript variant (1).
Genome position (GRCh38, 1-based): chr16:8,908,386, A>G on the plus strand (T>C on the coding strand, the complement: USP7 is on the minus strand). VCF-style: chr16-8908386-A-G. GRCh37 (hg19) VCF-style: chr16-9002243-A-G.
Other names: c.1178T>C, p.Phe393Ser (NM_001286457.2); c.929T>C, p.Phe310Ser (NM_001286458.2); c.1052T>C, p.Phe351Ser (NM_001321858.2); short protein forms F310S, F351S, F393S, F409S.
Identifiers: ClinVar variation 4879516 (VCV004879516.1).